The following is an entry in ClinVar:

NM_024120.5(NDUFAF5):c.690del (p.Arg231fs)

Gene: NDUFAF5 (NADH:ubiquinone oxidoreductase complex assembly factor 5; plus strand). Cytogenetic location: 20p12.1.
Variant type: Deletion.
Coding change: c.690del on transcript NM_024120.5 (MANE Select); coding-DNA position 690, one base deleted (G; older notation c.690delG).
Protein change: p.Arg231fs; shifts the reading frame from arginine 231.
Molecular consequence: frameshift variant. On other transcripts: non-coding transcript variant (7).
Genome position (GRCh38, 1-based): chr20:13,801,656, G deleted; the last of 3 consecutive G bases (chr20:13,801,654-13,801,656); deleting any one gives the same sequence. VCF-style (leftmost placement, unchanged base first): chr20-13801653-TG-T. GRCh37 (hg19) VCF-style: chr20-13782299-TG-T.
Other names: c.606del, p.Arg203fs (NM_001039375.3); c.219del, p.Arg74fs (NM_001352403.2); c.129del, p.Arg44fs (NM_001352406.2, NM_001352407.2); c.690del, p.Arg231fs (NM_001352408.2); short protein forms R203fs, R231fs, R44fs, R74fs.
Identifiers: ClinVar variation 2676978 (VCV002676978.4), dbSNP rs2516188730, ClinGen allele CA2695201385.

ClinVar aggregate classification (germline): Pathogenic/Likely pathogenic. Review status: criteria provided, multiple submitters, no conflicts (2 of 4 stars). 2 submissions from 2 submitters: Pathogenic (1); Likely pathogenic (1). Last evaluated 2023-08-09.

Conditions:
Mitochondrial complex I deficiency, nuclear type 16. Also called: Mitochondrial complex 1 deficiency, nuclear type 16. Identifiers: MedGen C4748785, MONDO:0032621, OMIM 618238.

Submissions (2):

Labcorp Genetics (formerly Invitae), Labcorp
Classification: Pathogenic. Last evaluated: 2023-08-09. Review status: criteria provided, single submitter. Criteria: Invitae Variant Classification Sherloc (09022015). Collection method: clinical testing. Allele origin: germline.
Comment: This variant has not been reported in the literature in individuals affected with NDUFAF5-related conditions. For these reasons, this variant has been classified as Pathogenic. This variant is not present in population databases (gnomAD no frequency). This sequence change creates a premature translational stop signal (p.Arg231Glufs*7) in the NDUFAF5 gene. It is expected to result in an absent or disrupted protein product. Loss-of-function variants in NDUFAF5 are known to be pathogenic (PMID: 26275793, 30473481, 32918965).

Baylor Genetics
Classification: Likely pathogenic for Mitochondrial complex I deficiency, nuclear type 16. Last evaluated: 2023-04-01. Review status: criteria provided, single submitter. Criteria: ACMG Guidelines, 2015. Collection method: clinical testing. Allele origin: unknown.

Literature cited by the submitters: PubMed 26275793 (cited by Labcorp Genetics (formerly Invitae), Labcorp); PubMed 30473481 (cited by Labcorp Genetics (formerly Invitae), Labcorp); PubMed 32918965 (cited by Labcorp Genetics (formerly Invitae), Labcorp).